The following is an entry in ClinVar:

NM_004385.5(VCAN):c.9379+7_9379+8inv

Genes: VCAN (versican; plus strand), VCAN-AS1 (VCAN antisense RNA 1; minus strand). Cytogenetic location: 5q14.3.
Variant type: Inversion.
Coding change: c.9379+7_9379+8inv on transcript NM_004385.5 (MANE Select).
Molecular consequence: intron variant.
Genome position: GRCh38 VCF-style: chr5-83545657-TG-CA. GRCh37 (hg19) VCF-style: chr5-82841476-TG-CA.
Other names: c.4117+7_4117+8inv (NM_001164098.2); c.6418+7_6418+8inv (NM_001164097.2); c.1156+7_1156+8inv (NM_001126336.3).
Identifiers: ClinVar variation 2750741 (VCV002750741.3), ClinGen allele CA2697546268.
Genomic context (GRCh38, chr5:83,545,657, plus strand): 5'-CTTCCTACGTATGCACCTGTGTGCCAGGATACAGCGGAGACCAGTGTGAACTTGGTAAGA[TG>CA]GTACTTGGCTGAAAAGGTGCAGTTCTTTCACAGAAGATATATTGGGGGAGAATTTATGTT-3'

ClinVar aggregate classification (germline): Uncertain significance (1 of 4 stars; one submission).

Submission:

Labcorp Genetics (formerly Invitae), Labcorp
Classification: Uncertain significance. Last evaluated: 2023-08-06. Review status: criteria provided, single submitter. Criteria: Invitae Variant Classification Sherloc (09022015). Collection method: clinical testing. Allele origin: germline.
Comment: This sequence change falls in intron 9 of the VCAN gene. It does not directly change the encoded amino acid sequence of the VCAN protein. Information on the frequency of this variant in the gnomAD database is not available, as this variant may be reported differently in the database. This variant has not been reported in the literature in individuals affected with VCAN-related conditions. Experimental studies and prediction algorithms are not available or were not evaluated, and the effect of this variant on mRNA splicing is currently unknown. In summary, the available evidence is currently insufficient to determine the role of this variant in disease. Therefore, it has been classified as a Variant of Uncertain Significance.